The following is an entry in ClinVar:

NM_005431.2(XRCC2):c.534G>A (p.Gln178=)

Gene: XRCC2 (X-ray repair cross complementing 2; minus strand). Cytogenetic location: 7q36.1.
Variant type: single nucleotide variant.
Coding change: c.534G>A on transcript NM_005431.2 (MANE Select); coding-DNA position 534, G replaced by A.
Protein change: p.Gln178=; no amino-acid change (glutamine 178 retained).
Molecular consequence: synonymous variant.
Genome position (GRCh38, 1-based): chr7:152,648,951, C>T on the plus strand (G>A on the coding strand, the complement: XRCC2 is on the minus strand). VCF-style: chr7-152648951-C-T. GRCh37 (hg19) VCF-style: chr7-152346036-C-T.
Identifiers: ClinVar variation 825672 (VCV000825672.33), dbSNP rs1425124615, ClinGen allele CA458895298.

ClinVar aggregate classification (germline): Likely benign. Review status: criteria provided, multiple submitters, no conflicts (2 of 4 stars). 3 submissions from 3 submitters: Likely benign (3). Last evaluated 2024-07-16.

Conditions:
Hereditary cancer-predisposing syndrome. Also called: Tumor predisposition; Hereditary neoplastic syndrome; Neoplastic Syndromes, Hereditary; Hereditary Cancer Syndrome. Identifiers: Orphanet 140162, MedGen C0027672, MeSH D009386, MONDO:0015356.

Allele frequency attached by ClinVar (database versions not stated): gnomAD exomes below 0.00001; TOPMed below 0.00001.
gnomAD v4.1: 1 of 1,614,194 alleles (0.000062%); highest among the groups gnomAD compares: Middle Eastern, 0.016%; no homozygotes.

Submissions (3):

Labcorp Genetics (formerly Invitae), Labcorp
Classification: Likely benign. Last evaluated: 2024-07-16. Review status: criteria provided, single submitter. Criteria: Invitae Variant Classification Sherloc (09022015). Collection method: clinical testing. Allele origin: germline.

CeGaT Center for Human Genetics Tuebingen
Classification: Likely benign. Last evaluated: 2022-08-01. Review status: criteria provided, single submitter. Criteria: CeGaT Center For Human Genetics Tuebingen Variant Classification Criteria Version 2. Collection method: clinical testing. Allele origin: germline. Affected: yes. Observed: 1 variant allele.
Comment: XRCC2: PM2:Supporting, BP4, BP7

Ambry Genetics
Classification: Likely benign for Hereditary cancer-predisposing syndrome. Last evaluated: 2019-05-14. Review status: criteria provided, single submitter. Criteria: Ambry Variant Classification Scheme 2023. Collection method: clinical testing. Allele origin: germline.